The following is an entry in ClinVar:

NM_006063.3(KLHL41):c.1225C>G (p.Gln409Glu)

Gene: KLHL41 (kelch like family member 41; plus strand). Cytogenetic location: 2q31.1.
Variant type: single nucleotide variant.
Coding change: c.1225C>G on transcript NM_006063.3 (MANE Select); coding-DNA position 1225, C replaced by G.
Protein change: p.Gln409Glu; replaces glutamine 409 with glutamic acid.
Molecular consequence: missense variant.
Genome position (GRCh38, 1-based): chr2:169,514,688, C>G. VCF-style: chr2-169514688-C-G. GRCh37 (hg19) VCF-style: chr2-170371198-C-G.
Other names: short protein forms Q409E.
Identifiers: ClinVar variation 1410282 (VCV001410282.6), dbSNP rs1168210084, ClinGen allele CA349178556.

ClinVar aggregate classification (germline): Uncertain significance (1 of 4 stars; one submission).

Conditions:
Nemaline myopathy 9 (NEM9). Identifiers: MedGen C3810384, MONDO:0014326, OMIM 615731.

Allele frequency attached by ClinVar (database versions not stated): gnomAD exomes below 0.00001.
gnomAD v4.1: 5 of 1,613,958 alleles (0.00031%); highest among the groups gnomAD compares: Non-Finnish European, 0.00042%; no homozygotes.

Submission:

Labcorp Genetics (formerly Invitae), Labcorp
Classification: Uncertain significance for Nemaline myopathy 9. Last evaluated: 2023-03-23. Review status: criteria provided, single submitter. Criteria: Invitae Variant Classification Sherloc (09022015). Collection method: clinical testing. Allele origin: germline.
Comment: This sequence change replaces glutamine, which is neutral and polar, with glutamic acid, which is acidic and polar, at codon 409 of the KLHL41 protein (p.Gln409Glu). In summary, the available evidence is currently insufficient to determine the role of this variant in disease. Therefore, it has been classified as a Variant of Uncertain Significance. Advanced modeling of protein sequence and biophysical properties (such as structural, functional, and spatial information, amino acid conservation, physicochemical variation, residue mobility, and thermodynamic stability) performed at Invitae indicates that this missense variant is not expected to disrupt KLHL41 protein function. ClinVar contains an entry for this variant (Variation ID: 1410282). This variant has not been reported in the literature in individuals affected with KLHL41-related conditions. This variant is present in population databases (no rsID available, gnomAD 0.0009%).